The following is an entry in ClinVar:

ClinVar aggregate classification (germline): Benign (1 of 4 stars; one submission).

Conditions:
Tuberous sclerosis 1 (TSC1). Identifiers: Orphanet 805, MedGen C1854465, MONDO:0008612, OMIM 191100.

Submission:

Myriad Genetics, Inc.
Classification: Benign for Tuberous sclerosis 1. Last evaluated: 2025-04-30. Review status: criteria provided, single submitter. Criteria: Myriad Autosomal Dominant, Autosomal Recessive and X-Linked Classification Criteria (2023). Collection method: clinical testing. Allele origin: unknown.
Comment: This variant is considered benign. This variant occurs in the non-coding 3' untranslated region of the gene, and is not expected to impact protein function.

NM_000368.5(TSC1):c.*5T>C

Gene: TSC1 (TSC complex subunit 1; minus strand). Cytogenetic location: 9q34.13.
Variant type: single nucleotide variant.
Coding change: c.*5T>C on transcript NM_000368.5 (MANE Select); 5 bases downstream of the stop codon, T replaced by C.
Molecular consequence: 3 prime UTR variant. On other transcripts: non-coding transcript variant (5).
Genome position (GRCh38, 1-based): chr9:132,896,230, A>G on the plus strand (T>C on the coding strand, the complement: TSC1 is on the minus strand). VCF-style: chr9-132896230-A-G. GRCh37 (hg19) VCF-style: chr9-135771617-A-G.
Other names: c.*5T>C (NM_001162426.2, NM_001162427.2, NM_001362177.2 and 39 more transcripts).
Identifiers: ClinVar variation 4071196 (VCV004071196.1).